The following is an entry in ClinVar:

ClinVar aggregate classification (germline): Uncertain significance. Review status: criteria provided, multiple submitters, no conflicts (2 of 4 stars). 2 submissions from 2 submitters: Uncertain significance (2). Last evaluated 2023-04-11.

Conditions:
Infantile-onset ascending hereditary spastic paralysis (IAHSP). Also called: Infantile-Onset Ascending Hereditary Spastic Paralysis (IAHSP); Autosomal Recessive Juvenile Amyotrophic Lateral Sclerosis. Identifiers: Orphanet 293168, MedGen C2931441, MONDO:0011797, OMIM 607225. Disease mechanism: loss of function.
Inborn genetic diseases. Identifiers: MedGen C0950123, MeSH D030342.

gnomAD v4.1: 7 of 1,614,026 alleles (0.00043%); highest among the groups gnomAD compares: Non-Finnish European, 0.00059%; no homozygotes.

Submissions (2):

Ambry Genetics
Classification: Uncertain significance for Inborn genetic diseases. Last evaluated: 2023-04-11. Review status: criteria provided, single submitter. Criteria: Ambry Variant Classification Scheme 2023. Collection method: clinical testing. Allele origin: germline.

Labcorp Genetics (formerly Invitae), Labcorp
Classification: Uncertain significance for Infantile-onset ascending hereditary spastic paralysis. Last evaluated: 2022-04-09. Review status: criteria provided, single submitter. Criteria: Invitae Variant Classification Sherloc (09022015). Collection method: clinical testing. Allele origin: germline.
Comment: This sequence change replaces proline, which is neutral and non-polar, with threonine, which is neutral and polar, at codon 337 of the ALS2 protein (p.Pro337Thr). This variant is present in population databases (no rsID available, gnomAD 0.0009%). This variant has not been reported in the literature in individuals affected with ALS2-related conditions. Algorithms developed to predict the effect of missense changes on protein structure and function (SIFT, PolyPhen-2, Align-GVGD) all suggest that this variant is likely to be tolerated. In summary, the available evidence is currently insufficient to determine the role of this variant in disease. Therefore, it has been classified as a Variant of Uncertain Significance.

NM_020919.4(ALS2):c.1009C>A (p.Pro337Thr)

Gene: ALS2 (alsin Rho guanine nucleotide exchange factor ALS2; minus strand). Cytogenetic location: 2q33.1.
Variant type: single nucleotide variant.
Coding change: c.1009C>A on transcript NM_020919.4 (MANE Select); coding-DNA position 1009, C replaced by A.
Protein change: p.Pro337Thr; replaces proline 337 with threonine.
Molecular consequence: missense variant.
Genome position (GRCh38, 1-based): chr2:201,760,985, G>T on the plus strand (C>A on the coding strand, the complement: ALS2 is on the minus strand). VCF-style: chr2-201760985-G-T. GRCh37 (hg19) VCF-style: chr2-202625708-G-T.
Other names: c.1009C>A, p.Pro337Thr (NM_001135745.2, NM_001410975.1); c.1009C>A (NM_020919.3); short protein forms P337T.
Identifiers: ClinVar variation 2200927 (VCV002200927.6), dbSNP rs752311938, ClinGen allele CA350327619.